The following is an entry in ClinVar:

NM_020320.5(RARS2):c.935C>T (p.Thr312Ile)

Gene: RARS2 (arginyl-tRNA synthetase 2, mitochondrial; minus strand). Cytogenetic location: 6q15.
Variant type: single nucleotide variant.
Coding change: c.935C>T on transcript NM_020320.5 (MANE Select); coding-DNA position 935, C replaced by T.
Protein change: p.Thr312Ile; replaces threonine 312 with isoleucine.
Molecular consequence: missense variant. On other transcripts: non-coding transcript variant (23).
Genome position (GRCh38, 1-based): chr6:87,524,596, G>A on the plus strand (C>T on the coding strand, the complement: RARS2 is on the minus strand). VCF-style: chr6-87524596-G-A. GRCh37 (hg19) VCF-style: chr6-88234314-G-A.
Other names: c.410C>T, p.Thr137Ile (NM_001318785.2, NM_001350506.2, NM_001350507.2 and 4 more transcripts); c.935C>T, p.Thr312Ile (NM_001350505.2); short protein forms T312I, T137I.
Identifiers: ClinVar variation 1911982 (VCV001911982.2), dbSNP rs751194485, ClinGen allele CA364926875.
Genomic context (GRCh38, chr6:87,524,596, plus strand): 5'-ACCCTCACAGAGGCTACAAACCTGGTTGCATAGAGAGAAGTCCCATCACTTCGCATTACA[G>A]TACAAATTGAGGAGGGGTCGCCATTCCCAGAGAGATCTACTACAGCCGTTCCTTTTCTAG-3'
Protein context (NP_064716.2, residues 302-322): SGNGDPSSIC[Thr312Ile]VMRSDGTSLY

ClinVar aggregate classification (germline): Uncertain significance (1 of 4 stars; one submission).

Allele frequency attached by ClinVar (database versions not stated): gnomAD exomes below 0.00001; TOPMed below 0.00001; gnomAD 0.00001.
gnomAD v4.1: 7 of 1,613,530 alleles (0.00043%); highest among the groups gnomAD compares: Non-Finnish European, 0.00059%; no homozygotes.

Submission:

Labcorp Genetics (formerly Invitae), Labcorp
Classification: Uncertain significance. Last evaluated: 2022-08-22. Review status: criteria provided, single submitter. Criteria: Invitae Variant Classification Sherloc (09022015). Collection method: clinical testing. Allele origin: germline.
Comment: This sequence change replaces threonine, which is neutral and polar, with isoleucine, which is neutral and non-polar, at codon 312 of the RARS2 protein (p.Thr312Ile). This variant is not present in population databases (gnomAD no frequency). This variant has not been reported in the literature in individuals affected with RARS2-related conditions. Advanced modeling of protein sequence and biophysical properties (such as structural, functional, and spatial information, amino acid conservation, physicochemical variation, residue mobility, and thermodynamic stability) performed at Invitae indicates that this missense variant is not expected to disrupt RARS2 protein function. In summary, the available evidence is currently insufficient to determine the role of this variant in disease. Therefore, it has been classified as a Variant of Uncertain Significance.